The following is an entry in ClinVar:

NM_001429.4(EP300):c.2891C>A (p.Ser964Tyr)

Genes: EP300 (EP300 lysine acetyltransferase; plus strand), LOC126863158 (BRD4-independent group 4 enhancer GRCh37_chr22:41547383-41548582; plus strand). Cytogenetic location: 22q13.2.
Variant type: single nucleotide variant.
Coding change: c.2891C>A on transcript NM_001429.4 (MANE Select); coding-DNA position 2891, C replaced by A.
Protein change: p.Ser964Tyr; replaces serine 964 with tyrosine.
Molecular consequence: missense variant.
Genome position (GRCh38, 1-based): chr22:41,151,906, C>A. VCF-style: chr22-41151906-C-A. GRCh37 (hg19) VCF-style: chr22-41547910-C-A.
Other names: c.2813C>A, p.Ser938Tyr (NM_001362843.2); short protein forms S938Y, S964Y.
Identifiers: ClinVar variation 2914181 (VCV002914181.3), dbSNP rs1342949087, ClinGen allele CA411692876.

ClinVar aggregate classification (germline): Uncertain significance (1 of 4 stars; one submission).

Conditions:
Rubinstein-Taybi syndrome due to EP300 haploinsufficiency. Also called: EP300-Related Rubinstein-Taybi Syndrome; RUBINSTEIN-TAYBI SYNDROME 2. Identifiers: Orphanet 353284, Orphanet 783, MedGen C3150941, MONDO:0013364, OMIM 613684.

Submission:

Labcorp Genetics (formerly Invitae), Labcorp
Classification: Uncertain significance for Rubinstein-Taybi syndrome due to EP300 haploinsufficiency. Last evaluated: 2023-11-19. Review status: criteria provided, single submitter. Criteria: Invitae Variant Classification Sherloc (09022015). Collection method: clinical testing. Allele origin: germline.
Comment: This sequence change replaces serine, which is neutral and polar, with tyrosine, which is neutral and polar, at codon 964 of the EP300 protein (p.Ser964Tyr). This variant is present in population databases (no rsID available, gnomAD 0.0009%). This variant has not been reported in the literature in individuals affected with EP300-related conditions. Advanced modeling of protein sequence and biophysical properties (such as structural, functional, and spatial information, amino acid conservation, physicochemical variation, residue mobility, and thermodynamic stability) performed at Invitae indicates that this missense variant is not expected to disrupt EP300 protein function with a negative predictive value of 80%. In summary, the available evidence is currently insufficient to determine the role of this variant in disease. Therefore, it has been classified as a Variant of Uncertain Significance.